The following is an entry in ClinVar:

NM_172351.3(CD46):c.787G>A (p.Asp263Asn)

Gene: CD46 (CD46 molecule; plus strand). Cytogenetic location: 1q32.2.
Variant type: single nucleotide variant.
Coding change: c.787G>A on transcript NM_172351.3 (MANE Select); coding-DNA position 787, G replaced by A.
Protein change: p.Asp263Asn; replaces aspartic acid 263 with asparagine.
Molecular consequence: missense variant.
Genome position (GRCh38, 1-based): chr1:207,767,126, G>A. VCF-style: chr1-207767126-G-A. GRCh37 (hg19) VCF-style: chr1-207940471-G-A.
Other names: c.787G>A, p.Asp263Asn (NM_172352.3, NM_172353.3, NM_172355.3 and 8 more transcripts); short protein forms D263N.
Identifiers: ClinVar variation 4762438 (VCV004762438.1).

ClinVar aggregate classification (germline): Uncertain significance (1 of 4 stars; one submission).

Submission:

Labcorp Genetics (formerly Invitae), Labcorp
Classification: Uncertain significance. Last evaluated: 2025-09-22. Review status: criteria provided, single submitter. Criteria: Invitae Variant Classification Sherloc (09022015). Collection method: clinical testing. Allele origin: germline.
Comment: This sequence change replaces aspartic acid, which is acidic and polar, with asparagine, which is neutral and polar, at codon 263 of the CD46 protein (p.Asp263Asn). This variant is not present in population databases (gnomAD no frequency). This variant has not been reported in the literature in individuals affected with CD46-related conditions. Invitae Evidence Modeling of protein sequence and biophysical properties (such as structural, functional, and spatial information, amino acid conservation, physicochemical variation, residue mobility, and thermodynamic stability) indicates that this missense variant is not expected to disrupt CD46 protein function with a negative predictive value of 80%. In summary, the available evidence is currently insufficient to determine the role of this variant in disease. Therefore, it has been classified as a Variant of Uncertain Significance.